The following is an entry in ClinVar:

ClinVar aggregate classification (germline): Uncertain significance (1 of 4 stars; one submission).

Submission:

Labcorp Genetics (formerly Invitae), Labcorp
Classification: Uncertain significance. Last evaluated: 2024-12-17. Review status: criteria provided, single submitter. Criteria: Invitae Variant Classification Sherloc (09022015). Collection method: clinical testing. Allele origin: germline.
Comment: This sequence change affects a splice site in intron 9 of the CREB3L3 gene. While this variant is not anticipated to result in nonsense mediated decay, it likely alters RNA splicing and results in a disrupted protein product. This variant is not present in population databases (gnomAD no frequency). This variant has not been reported in the literature in individuals affected with CREB3L3-related conditions. Variants that disrupt the consensus splice site are a relatively common cause of aberrant splicing (PMID: 17576681, 9536098). Algorithms developed to predict the effect of sequence changes on RNA splicing suggest that this variant may disrupt the consensus splice site. In summary, the available evidence is currently insufficient to determine the role of this variant in disease. Therefore, it has been classified as a Variant of Uncertain Significance.

Literature cited by the submitters: PubMed 17576681; PubMed 9536098.

NM_032607.3(CREB3L3):c.1073-3_1073-2del

Gene: CREB3L3 (cAMP responsive element binding protein 3 like 3; plus strand). Cytogenetic location: 19p13.3.
Variant type: Deletion.
Coding change: c.1073-3_1073-2del on transcript NM_032607.3 (MANE Select); 3 bases into the intron before coding-DNA position 1073 through the canonical splice acceptor site of the intron before coding-DNA position 1073, 2 bases deleted (CA; older notation c.1073-3_1073-2delCA).
Molecular consequence: splice acceptor variant.
Genome position (GRCh38, 1-based): chr19:4,171,653-4,171,654, CA deleted. VCF-style (leftmost placement, unchanged base first): chr19-4171652-TCA-T. GRCh37 (hg19) VCF-style: chr19-4171649-TCA-T.
Other names: c.966-3_966-2del (NM_001271997.2); c.1067-3_1067-2del (NM_001271996.2); c.1070-3_1070-2del (NM_001271995.2).
Identifiers: ClinVar variation 3727450 (VCV003727450.2).